The following is an entry in ClinVar:

ClinVar aggregate classification (germline): Uncertain significance (1 of 4 stars; one submission).

Submission:

Ambry Genetics
Classification: Uncertain significance. Last evaluated: 2024-05-17. Review status: criteria provided, single submitter. Criteria: Ambry Variant Classification Scheme 2023. Collection method: clinical testing. Allele origin: germline.
Comment: The p.N2424K variant (also known as c.7272T>G), located in coding exon 27 of the POLQ gene, results from a T to G substitution at nucleotide position 7272. The asparagine at codon 2424 is replaced by lysine, an amino acid with similar properties. This amino acid position is conserved. In addition, this alteration is predicted to be tolerated by in silico analysis. Based on the available evidence, the clinical significance of this variant remains unclear.

NM_199420.4(POLQ):c.7272T>G (p.Asn2424Lys)

Gene: POLQ (DNA polymerase theta; minus strand). Cytogenetic location: 3q13.33.
Variant type: single nucleotide variant.
Coding change: c.7272T>G on transcript NM_199420.4 (MANE Select); coding-DNA position 7272, T replaced by G.
Protein change: p.Asn2424Lys; replaces asparagine 2424 with lysine.
Molecular consequence: missense variant.
Genome position (GRCh38, 1-based): chr3:121,440,109, A>C on the plus strand (T>G on the coding strand, the complement: POLQ is on the minus strand). VCF-style: chr3-121440109-A-C. GRCh37 (hg19) VCF-style: chr3-121158956-A-C.
Other names: short protein forms N2424K.
Identifiers: ClinVar variation 3308687 (VCV003308687.1).